The following is an entry in ClinVar:

NM_172351.3(CD46):c.1031C>G (p.Ala344Gly)

Gene: CD46 (CD46 molecule; plus strand). Cytogenetic location: 1q32.2.
Variant type: single nucleotide variant.
Coding change: c.1031C>G on transcript NM_172351.3 (MANE Select); coding-DNA position 1031, C replaced by G.
Protein change: p.Ala344Gly; replaces alanine 344 with glycine.
Molecular consequence: missense variant. On other transcripts: intron variant (2).
Genome position (GRCh38, 1-based): chr1:207,785,631, C>G. VCF-style: chr1-207785631-C-G. GRCh37 (hg19) VCF-style: chr1-207958976-C-G.
Other names: c.1076C>G, p.Ala359Gly (NM_002389.4, NM_172359.3); c.1031C>G, p.Ala344Gly (NM_153826.4); c.986C>G, p.Ala329Gly (NM_172352.3, NM_172353.3); c.989C>G, p.Ala330Gly (NM_172355.3, NM_172356.3); c.944C>G, p.Ala315Gly (NM_172357.3, NM_172361.3); c.1019-25C>G (NM_172358.3); c.973+525C>G (NM_172350.3); short protein forms A315G, A344G, A329G, A359G, A330G.
Identifiers: ClinVar variation 3704363 (VCV003704363.3).

ClinVar aggregate classification (germline): Uncertain significance. Review status: criteria provided, multiple submitters, no conflicts (2 of 4 stars). 2 submissions from 2 submitters: Uncertain significance (2). Last evaluated 2025-10-02.

Conditions:
Atypical hemolytic-uremic syndrome. Identifiers: Orphanet 2134, MedGen C2931788, MONDO:0016244.

gnomAD v4.1: 13 of 1,608,834 alleles (0.00081%); highest among the groups gnomAD compares: East Asian, 0.027%; no homozygotes.

Submissions (2):

Genomenon, Inc
Classification: Uncertain significance for Atypical hemolytic-uremic syndrome. Last evaluated: 2025-10-02. Review status: criteria provided, single submitter. Criteria: Genomenon Sequence Variant Interpretation Standards. Collection method: curation. Allele origin: germline. Affected: no.
Comment: CD46 p.Ala359Gly (c.1076C>G) is a missense variant that changes the amino acid at residue 359 from Alanine to Glycine. This variant has been reported in the published literature (PMID:29566171). In silico models agree that this variant is not damaging. In conclusion, we classify CD46 p.Ala359Gly (c.1076C>G) as a variant of uncertain significance.

Labcorp Genetics (formerly Invitae), Labcorp
Classification: Uncertain significance. Last evaluated: 2024-06-17. Review status: criteria provided, single submitter. Criteria: Invitae Variant Classification Sherloc (09022015). Collection method: clinical testing. Allele origin: germline.
Comment: This sequence change replaces alanine, which is neutral and non-polar, with glycine, which is neutral and non-polar, at codon 359 of the CD46 protein (p.Ala359Gly). This variant is present in population databases (rs767322836, gnomAD 0.06%). This missense change has been observed in individual(s) with C3 glomerulonephritis (PMID: 29566171). Advanced modeling of protein sequence and biophysical properties (such as structural, functional, and spatial information, amino acid conservation, physicochemical variation, residue mobility, and thermodynamic stability) performed at Invitae indicates that this missense variant is not expected to disrupt CD46 protein function with a negative predictive value of 80%. In summary, the available evidence is currently insufficient to determine the role of this variant in disease. Therefore, it has been classified as a Variant of Uncertain Significance.

Literature cited by the submitters: PubMed 29566171 (cited by Genomenon, Inc and Labcorp Genetics (formerly Invitae), Labcorp).